The following is an entry in ClinVar:

ClinVar aggregate classification (germline): Uncertain significance (1 of 4 stars; one submission).

Submission:

Labcorp Genetics (formerly Invitae), Labcorp
Classification: Uncertain significance. Last evaluated: 2021-06-19. Review status: criteria provided, single submitter. Criteria: Invitae Variant Classification Sherloc (09022015). Collection method: clinical testing. Allele origin: germline.
Comment: In summary, the available evidence is currently insufficient to determine the role of this variant in disease. Therefore, it has been classified as a Variant of Uncertain Significance. Algorithms developed to predict the effect of missense changes on protein structure and function output the following: SIFT: "Tolerated"; PolyPhen-2: "Not Available"; Align-GVGD: "Class C0". The glutamine amino acid residue is found in multiple mammalian species, suggesting that this missense change does not adversely affect protein function. These predictions have not been confirmed by published functional studies and their clinical significance is uncertain. This variant has not been reported in the literature in individuals with DGAT1-related conditions. The frequency data for this variant in the population databases is considered unreliable, as metrics indicate insufficient coverage at this position in the ExAC database. This sequence change replaces arginine with glutamine at codon 32 of the DGAT1 protein (p.Arg32Gln). The arginine residue is moderately conserved and there is a small physicochemical difference between arginine and glutamine.

NM_012079.6(DGAT1):c.95G>A (p.Arg32Gln)

Genes: DGAT1 (diacylglycerol O-acyltransferase 1; minus strand), LOC130001385 (ATAC-STARR-seq lymphoblastoid silent region 19672; plus strand). Cytogenetic location: 8q24.3.
Variant type: single nucleotide variant.
Coding change: c.95G>A on transcript NM_012079.6 (MANE Select); coding-DNA position 95, G replaced by A.
Protein change: p.Arg32Gln; replaces arginine 32 with glutamine.
Molecular consequence: missense variant.
Genome position (GRCh38, 1-based): chr8:144,326,542, C>T on the plus strand (G>A on the coding strand, the complement: DGAT1 is on the minus strand). VCF-style: chr8-144326542-C-T. GRCh37 (hg19) VCF-style: chr8-145550205-C-T.
Other names: short protein forms R32Q.
Identifiers: ClinVar variation 1362330 (VCV001362330.8), dbSNP rs1339503278, ClinGen allele CA372613402.
Genomic context (GRCh38, chr8:144,326,542, plus strand): 5'-TTGGGGGCCGGGGCTGGCGCGTCCCCCGCGGCTCCCACGTCGGGGCCCGCAGCGGCGTCC[C>T]GCACCTCCTCTTCCGCCGCCGCAGGCCCGCCGCCGCCGTGGCTCGAGGGCCGCGACCCTG-3'
Protein context (NP_036211.2, residues 22-42): GGPAAAEEEV[Arg32Gln]DAAAGPDVGA